The following is an entry in ClinVar:

NM_134261.3(RORA):c.-10G>C

Gene: RORA (RAR related orphan receptor A; minus strand). Cytogenetic location: 15q22.2.
Variant type: single nucleotide variant.
Coding change: c.-10G>C on transcript NM_134261.3 (MANE Select); 10 bases upstream of the start codon, G replaced by C.
Molecular consequence: 5 prime UTR variant.
Genome position (GRCh38, 1-based): chr15:61,229,228, C>G on the plus strand (G>C on the coding strand, the complement: RORA is on the minus strand). VCF-style: chr15-61229228-C-G. GRCh37 (hg19) VCF-style: chr15-61521427-C-G.
Identifiers: ClinVar variation 4848698 (VCV004848698.1).

ClinVar aggregate classification (germline): Uncertain significance (1 of 4 stars; one submission).

gnomAD v4.1: 5 of 1,316,022 alleles (0.00038%); highest among the groups gnomAD compares: Non-Finnish European, 0.00049%; no homozygotes.

Submission:

Women's Health and Genetics/Laboratory Corporation of America, LabCorp
Classification: Uncertain significance. Last evaluated: 2026-04-10. Review status: criteria provided, single submitter. Criteria: LabCorp Variant Classification Summary - May 2015. Collection method: clinical testing. Allele origin: germline.
Comment: Variant summary: RORA c.-10G>C is located in the untranslated mRNA region upstream of the initiation codon. The variant allele was found at a frequency of 7.6e-06 in 131564 control chromosomes. The available data on variant occurrences in the general population are insufficient to allow any conclusion about variant significance. To our knowledge, no occurrence of c.-10G>C in individuals affected with RORA-related conditions and no experimental evidence demonstrating its impact on protein function have been reported. No submitters have cited clinical-significance assessments for this variant to ClinVar. Based on the evidence outlined above, the variant was classified as uncertain significance.